The following is an entry in ClinVar:

ClinVar aggregate classification (germline): Conflicting classifications of pathogenicity. Review status: criteria provided, conflicting classifications (1 of 4 stars). 2 submissions from 2 submitters: Uncertain significance (1); Likely benign (1). Last evaluated 2025-05-05.

Allele frequency attached by ClinVar (database versions not stated): TOPMed below 0.00001; gnomAD 0.00003; gnomAD exomes below 0.00001.
gnomAD v4.1: 23 of 1,613,990 alleles (0.0014%); highest among the groups gnomAD compares: Admixed American, 0.0033%; no homozygotes.

Submissions (2):

Labcorp Genetics (formerly Invitae), Labcorp
Classification: Uncertain significance. Last evaluated: 2025-05-05. Review status: criteria provided, single submitter. Criteria: Invitae Variant Classification Sherloc (09022015). Collection method: clinical testing. Allele origin: germline.
Comment: This sequence change replaces leucine, which is neutral and non-polar, with phenylalanine, which is neutral and non-polar, at codon 335 of the ABCA4 protein (p.Leu335Phe). This variant is present in population databases (no rsID available, gnomAD 0.003%). This variant has not been reported in the literature in individuals affected with ABCA4-related conditions. ClinVar contains an entry for this variant (Variation ID: 379612). Invitae Evidence Modeling of protein sequence and biophysical properties (such as structural, functional, and spatial information, amino acid conservation, physicochemical variation, residue mobility, and thermodynamic stability) indicates that this missense variant is not expected to disrupt ABCA4 protein function with a negative predictive value of 95%. In summary, the available evidence is currently insufficient to determine the role of this variant in disease. Therefore, it has been classified as a Variant of Uncertain Significance.

GeneDx
Classification: Likely benign. Last evaluated: 2015-04-30. Review status: criteria provided, single submitter. Criteria: GeneDx Variant Classification (06012015). Collection method: clinical testing. Allele origin: germline. Affected: yes.
Comment: This variant is considered likely benign or benign based on one or more of the following criteria: it is a conservative change, it occurs at a poorly conserved position in the protein, it is predicted to be benign by multiple in silico algorithms, and/or has population frequency not consistent with disease.

NM_000350.3(ABCA4):c.1003C>T (p.Leu335Phe)

Gene: ABCA4 (ATP binding cassette subfamily A member 4; minus strand). Cytogenetic location: 1p22.1.
Variant type: single nucleotide variant.
Coding change: c.1003C>T on transcript NM_000350.3 (MANE Select); coding-DNA position 1003, C replaced by T.
Protein change: p.Leu335Phe; replaces leucine 335 with phenylalanine.
Molecular consequence: missense variant.
Genome position (GRCh38, 1-based): chr1:94,080,574, G>A on the plus strand (C>T on the coding strand, the complement: ABCA4 is on the minus strand). VCF-style: chr1-94080574-G-A. GRCh37 (hg19) VCF-style: chr1-94546130-G-A.
Other names: c.1003C>T, p.Leu335Phe (NM_001425324.1); short protein forms L335F.
Identifiers: ClinVar variation 379612 (VCV000379612.7), dbSNP rs1057520668, ClinGen allele CA16603803.